The following is an entry in ClinVar:

ClinVar aggregate classification (germline): Pathogenic. Review status: criteria provided, multiple submitters, no conflicts (2 of 4 stars). 16 submissions from 16 submitters: Pathogenic (14). 2 of the submissions do not count toward it. Last evaluated 2026-01-19.

Conditions:
Inborn genetic diseases. Identifiers: MedGen C0950123, MeSH D030342.
Neuronal ceroid lipofuscinosis 1 (CLN1). Also called: PPT1-Related Neuronal Ceroid-Lipofuscinosis; CEROID LIPOFUSCINOSIS, NEURONAL, 1, VARIABLE AGE AT ONSET. Identifiers: Orphanet 228329, MedGen C1850451, MONDO:0009744, OMIM 256730.
Retinitis pigmentosa (RP). Identifiers: Orphanet 791, MedGen C0035334, MeSH D012174, MONDO:0019200, OMIM 268000. Inheritance: Autosomal dominant, autosomal recessive and X linked inheritance.
PPT1-related disorder. Also called: PPT1-related condition.

Allele frequency attached by ClinVar (database versions not stated): ExAC 0.00002; gnomAD exomes 0.00002 and 0.00006; gnomAD 0.00005 and 0.00006; TOPMed 0.00005.
gnomAD v4.1: 101 of 1,608,864 alleles (0.0063%); highest among the groups gnomAD compares: Non-Finnish European, 0.0077%; no homozygotes.

Submissions (16):

Labcorp Genetics (formerly Invitae), Labcorp
Classification: Pathogenic for Neuronal ceroid lipofuscinosis 1. Last evaluated: 2026-01-19. Review status: criteria provided, single submitter. Criteria: Invitae Variant Classification Sherloc (09022015). Collection method: clinical testing. Allele origin: germline.
Comment: This sequence change replaces threonine, which is neutral and polar, with proline, which is neutral and non-polar, at codon 75 of the PPT1 protein (p.Thr75Pro). This variant is present in population databases (rs137852696, gnomAD 0.007%). This missense change has been observed in individual(s) with neuronal ceroid lipofuscinosis 1 (PMID: 9425237, 26510000, 28559085). In at least one individual the data is consistent with being in trans (on the opposite chromosome) from a pathogenic variant. ClinVar contains an entry for this variant (Variation ID: 8900). Invitae Evidence Modeling of protein sequence and biophysical properties (such as structural, functional, and spatial information, amino acid conservation, physicochemical variation, residue mobility, and thermodynamic stability) indicates that this missense variant is expected to disrupt PPT1 protein function with a positive predictive value of 80%. Experimental studies are conflicting or provide insufficient evidence to determine the effect of this variant on PPT1 function (PMID: 23539563). For these reasons, this variant has been classified as Pathogenic.

Natera, Inc.
Classification: Pathogenic for Neuronal ceroid lipofuscinosis 1. Last evaluated: 2025-09-22. Review status: criteria provided, single submitter. Criteria: Natera Variant Classification Schema (03/2026). Collection method: clinical testing. Allele origin: germline.
Comment: The c.223A>C variant in PPT1 is a missense variant predicted to cause substitution of threonine to proline at amino acid 75. This variant is rare in the general population with a frequency below the threshold expected for the associated phenotype(s). This variant has been observed in one or more individuals affected with the associated recessive disease, as either homozygous or compound heterozygous with a second variant (PMID: 9425237). Additionally, this variant has been observed to segregate in affected family members (PMID: 9425237). Computational prediction algorithms indicate this variant is likely to affect gene or protein function. Given the available evidence, this variant is classified as Pathogenic.

GeneDx
Classification: Pathogenic. Last evaluated: 2025-09-20. Review status: criteria provided, single submitter. Criteria: GeneDx Variant Classification Process June 2021. Collection method: clinical testing. Allele origin: germline. Affected: yes.
Comment: Published functional studies demonstrate the variant results in reduced PPT1 enzyme activity (PMID: 23539563); Not observed at significant frequency in large population cohorts (gnomAD); This variant is associated with the following publications: (PMID: 14997939, 10649502, 26510000, 11520175, 19793631, 16720047, 22778232, 23542453, 11073228, 10781062, 16759889, 9664077, 20346914, 23857568, 29655203, 28559085, 34906470, 23539563, 9425237, 21990111)

North West Genomic Laboratory Hub, Manchester University NHS Foundation Trust
Classification: Pathogenic for Neuronal ceroid lipofuscinosis 1. Last evaluated: 2025-03-28. Review status: criteria provided, single submitter. Criteria: ACGS Best Practice Guidelines for Variant Classification in Rare Disease 2024. Collection method: clinical testing. Allele origin: germline. Affected: yes.
Comment: PM3_VStr PS3_Supp PP3_Supp

Variantyx, Inc.
Classification: Pathogenic for Neuronal ceroid lipofuscinosis 1. Last evaluated: 2025-03-25. Review status: criteria provided, single submitter. Criteria: Variantyx Assertion Criteria 2022. Collection method: clinical testing. Allele origin: germline.
Comment: This is a nonsynonymous variant in the PPT1 gene (OMIM: 600722). Pathogenic variants in this gene have been associated with autosomal recessive neuronal ceroid lipofuscinosis 1. This variant has been identified in the homozygous or compound heterozygous state in at least 8 individuals from the published literature (PMID: 9425237) (PM3_Very_Strong). Functional studies have shown that this variant alters PPT1 protein function (PMID: 23539563) (PS3). Multiple computational algorithms predict a deleterious effect for this variant (REVEL score: 0.77) (PP3). This variant has a 0.0077% maximum allele frequency in non-founder control populations (PM2_Supporting). Based on the current evidence, this variant is classified as pathogenic for autosomal recessive neuronal ceroid lipofuscinosis 1.

Fulgent Genetics
Classification: Pathogenic for Neuronal ceroid lipofuscinosis 1. Last evaluated: 2024-04-01. Review status: criteria provided, single submitter. Criteria: ACMG Guidelines, 2015. Collection method: clinical testing. Allele origin: germline.

Baylor Genetics
Classification: Pathogenic for Neuronal ceroid lipofuscinosis 1. Last evaluated: 2024-03-14. Review status: criteria provided, single submitter. Criteria: ACMG Guidelines, 2015. Collection method: clinical testing. Allele origin: unknown.

Revvity Omics, Revvity
Classification: Pathogenic for Neuronal ceroid lipofuscinosis 1. Last evaluated: 2022-09-09. Review status: criteria provided, single submitter. Criteria: ACMG Guidelines, 2015. Collection method: clinical testing. Allele origin: germline.

Blueprint Genetics
Classification: Pathogenic for PPT1-related disorders. Last evaluated: 2022-06-24. Review status: criteria provided, single submitter. Criteria: ACMG Guidelines, 2015. Collection method: clinical testing. Allele origin: germline. Affected: yes. Observed: 5 variant alleles.

Ambry Genetics
Classification: Pathogenic for Inborn genetic diseases. Last evaluated: 2022-04-09. Review status: criteria provided, single submitter. Criteria: Ambry Variant Classification Scheme 2023. Collection method: clinical testing. Allele origin: germline.
Comment: The c.223A>C (p.T75P) alteration is located in exon 2 (coding exon 2) of the PPT1 gene. This alteration results from a A to C substitution at nucleotide position 223, causing the threonine (T) at amino acid position 75 to be replaced by a proline (P). Based on data from gnomAD, the C allele has an overall frequency of <0.01% (4/251446) total alleles studied. The highest observed frequency was 0.01% (1/16256) of African alleles. This mutation has been identified in multiple individuals in the compound heterozygous and homozygous state (Miller, 2013; Mitchison, 1998; Metelitsina, 2016; Das, 1998; Stone, 2017; Jilani, 2019). This amino acid position is not well conserved in available vertebrate species. This alteration has been shown to reduce PPT1 enzyme activity (Miller, 2013). The in silico prediction for this alteration is inconclusive. Based on the available evidence, this alteration is classified as pathogenic.

Broad Center for Mendelian Genomics, Broad Institute of MIT and Harvard
Classification: Pathogenic for Retinitis pigmentosa. Last evaluated: 2021-04-01. Review status: criteria provided, single submitter. Criteria: ACMG Guidelines, 2015. Collection method: curation. Allele origin: germline. Inheritance: Autosomal recessive inheritance. Affected: yes.
Comment: Through a review of available evidence we were able to apply the following criteria: PM2, PP3, PM3-S, PS3. Based on this evidence we have classified this variant as Pathogenic. If you have any questions about the classification please reach out to the Pierce Lab.

Genetic Services Laboratory, University of Chicago
Classification: Pathogenic. Last evaluated: 2021-02-07. Review status: criteria provided, single submitter. Criteria: ACMG Guidelines, 2015. Collection method: clinical testing. Allele origin: germline. Affected: yes.
Comment: DNA sequence analysis of the PPT1 gene demonstrated a sequence change, c.223A>C, in exon 2 that results in an amino acid change, p.Thr75Pro. This sequence change has been described in the gnomAD database with a low frequency of 0.006% in African/African American subpopulation (dbSNP rs137852696). This sequence change has previously been described in the homozygous and compound heterozygous states in individuals and families with PPT1-related disorders (PMIDs: 9425237, 26510000). The p.Thr75Pro change affects a poorly conserved amino acid residue of the PPT1 protein. In-silico pathogenicity prediction tools (SIFT, PolyPhen2, Align GVGD, REVEL) provide contradictory results for the p.Thr75Pro substitution. Functional studies suggest p.Thr75Pro reduces PPT1 enzyme activity (PMID: 23539563). Collectively these evidences suggest this p.Thr75Pro variant is pathogenic.

Myriad Genetics, Inc.
Classification: Pathogenic for Neuronal ceroid lipofuscinosis 1. Last evaluated: 2019-12-09. Review status: criteria provided, single submitter. Criteria: Myriad Women's Health Autosomal Recessive and X-Linked Classification Criteria (2019). Collection method: clinical testing. Allele origin: unknown.
Comment: NM_000310.3(PPT1):c.223A>C(T75P) is classified as pathogenic in the context of PPT1-related neuronal ceroid lipofuscinosis and is associated with the juvenile form of this disease. Sources cited for classification include the following: PMID 9425237, 9664077 and 23539563. Classification of NM_000310.3(PPT1):c.223A>C(T75P) is based on the following criteria: This is a well-established pathogenic variant in the literature that has been observed more frequently in patients with clinical diagnoses than in healthy populations. Please note: this variant was assessed in the context of healthy population screening.

Women's Health and Genetics/Laboratory Corporation of America, LabCorp
Classification: Pathogenic for Ceroid lipofuscinosis neuronal 1. Last evaluated: 2018-11-16. Review status: criteria provided, single submitter. Criteria: LabCorp Variant Classification Summary - May 2015. Collection method: clinical testing. Allele origin: germline.
Comment: Variant summary: PPT1 c.223A>C (p.Thr75Pro) results in a non-conservative amino acid change in the encoded protein sequence. Four of five in-silico tools predict a damaging effect of the variant on protein function. The variant allele was found at a frequency of 1.6e-05 in 246324 control chromosomes (gnomAD).The variant, c.223A>C, has been reported in the literature in multiple individuals affected with Neuronal Ceroid-Lipofuscinosis (Batten Disease), including at least one homozygote (Mitchison_1998). These data indicate that the variant is very likely to be associated with disease. At least one publication reports experimental evidence evaluating an impact on protein function. The most pronounced variant effect results in <10% of normal activity. Two clinical diagnostic laboratories have submitted clinical-significance assessments for this variant to ClinVar after 2014 without evidence for independent evaluation and classified the variant as pathogenic. Based on the evidence outlined above, the variant was classified as pathogenic.

PreventionGenetics, part of Exact Sciences
Classification: Pathogenic for PPT1-related condition. Last evaluated: 2024-06-27. Review status: no assertion criteria provided. Collection method: clinical testing. Allele origin: germline. Not counted in ClinVar's aggregate classification.
Comment: The PPT1 c.223A>C variant is predicted to result in the amino acid substitution p.Thr75Pro. This variant has been documented in the homozygous and compound heterozygous states as causative for neuronal ceroid lipofuscinosis 1 (CLN1) in several affected patients (Mitchison et al.1998. PubMed ID: 9425237; Das et al. 1998. PubMed ID: 9664077). This variant is reported in 0.0062% of alleles in individuals of African descent in gnomAD. This variant is interpreted as pathogenic.

OMIM
Classification: Pathogenic for CEROID LIPOFUSCINOSIS, NEURONAL, 1. Last evaluated: 1998-07-15. Review status: no assertion criteria provided. Collection method: literature only. Allele origin: germline. Not counted in ClinVar's aggregate classification.

Literature cited by the submitters: PubMed 9425237 (cited by 7 submitters); PubMed 26510000 (cited by 3 submitters); PubMed 28559085 (cited by 3 submitters); PubMed 23539563 (cited by 4 submitters); PubMed 9664077 (cited by 4 submitters); PubMed 31741823 (cited by Ambry Genetics); PubMed 34906470 (cited by Broad Center for Mendelian Genomics, Broad Institute of MIT and Harvard); PubMed 11520175 (cited by Broad Center for Mendelian Genomics, Broad Institute of MIT and Harvard and Women's Health and Genetics/Laboratory Corporation of America, LabCorp).

NM_000310.4(PPT1):c.223A>C (p.Thr75Pro)

Gene: PPT1 (palmitoyl-protein thioesterase 1; minus strand). Cytogenetic location: 1p34.2.
Variant type: single nucleotide variant.
Coding change: c.223A>C on transcript NM_000310.4 (MANE Select); coding-DNA position 223, A replaced by C.
Protein change: p.Thr75Pro; replaces threonine 75 with proline.
Molecular consequence: missense variant. On other transcripts: intron variant (1).
Genome position (GRCh38, 1-based): chr1:40,092,409, T>G on the plus strand (A>C on the coding strand, the complement: PPT1 is on the minus strand). VCF-style: chr1-40092409-T-G. GRCh37 (hg19) VCF-style: chr1-40558081-T-G.
Other names: p.T75P:ACC>CCC; c.223A>C, p.Thr75Pro (NM_001363695.2); c.125-2897A>C (NM_001142604.2); short protein forms T75P.
Identifiers: ClinVar variation 8900 (VCV000008900.39), dbSNP rs137852696, ClinGen allele CA254577.